The following is an entry in ClinVar:

NM_000642.3(AGL):c.1822T>G (p.Cys608Gly)

Gene: AGL (amylo-alpha-1,6-glucosidase and 4-alpha-glucanotransferase; plus strand). Cytogenetic location: 1p21.2.
Variant type: single nucleotide variant.
Coding change: c.1822T>G on transcript NM_000642.3 (MANE Select); coding-DNA position 1822, T replaced by G.
Protein change: p.Cys608Gly; replaces cysteine 608 with glycine.
Molecular consequence: missense variant.
Genome position (GRCh38, 1-based): chr1:99,880,718, T>G. VCF-style: chr1-99880718-T-G. GRCh37 (hg19) VCF-style: chr1-100346274-T-G.
Other names: c.1822T>G, p.Cys608Gly (NM_000028.3, NM_000643.3, NM_000644.3 and 2 more transcripts); c.1774T>G, p.Cys592Gly (NM_000646.3); c.1621T>G, p.Cys541Gly (NM_001425327.1); c.1618T>G, p.Cys540Gly (NM_001425328.1, NM_001425329.1); c.1444T>G, p.Cys482Gly (NM_001425332.1); short protein forms C482G, C608G, C540G, C592G, C541G.
Identifiers: ClinVar variation 2890512 (VCV002890512.3), dbSNP rs1032852905, ClinGen allele CA341316688.

ClinVar aggregate classification (germline): Uncertain significance (1 of 4 stars; one submission).

Conditions:
Glycogen storage disease type III (GSD3). Also called: Cori disease; FORBES DISEASE. Identifiers: Orphanet 366, MedGen C0017922, MONDO:0009291, OMIM 232400.

gnomAD v4.1: 1 of 1,613,960 alleles (0.000062%); highest among the groups gnomAD compares: Non-Finnish European, 0.000085%; no homozygotes.

Submission:

Labcorp Genetics (formerly Invitae), Labcorp
Classification: Uncertain significance for Glycogen storage disease type III. Last evaluated: 2023-07-09. Review status: criteria provided, single submitter. Criteria: Invitae Variant Classification Sherloc (09022015). Collection method: clinical testing. Allele origin: germline.
Comment: In summary, the available evidence is currently insufficient to determine the role of this variant in disease. Therefore, it has been classified as a Variant of Uncertain Significance. This sequence change replaces cysteine, which is neutral and slightly polar, with glycine, which is neutral and non-polar, at codon 608 of the AGL protein (p.Cys608Gly). This variant is not present in population databases (gnomAD no frequency). This variant has not been reported in the literature in individuals affected with AGL-related conditions. Advanced modeling of protein sequence and biophysical properties (such as structural, functional, and spatial information, amino acid conservation, physicochemical variation, residue mobility, and thermodynamic stability) performed at Invitae indicates that this missense variant is not expected to disrupt AGL protein function.